The following is an entry in ClinVar:

ClinVar aggregate classification (germline): Uncertain significance (1 of 4 stars; one submission).

Conditions:
Emery-Dreifuss muscular dystrophy 5, autosomal dominant (EDMD5). Also called: EMERY-DREIFUSS MUSCULAR DYSTROPHY 5. Identifiers: Orphanet 261, MedGen C2751805, MONDO:0013072, OMIM 612999.

Submission:

Labcorp Genetics (formerly Invitae), Labcorp
Classification: Uncertain significance for Emery-Dreifuss muscular dystrophy 5, autosomal dominant. Last evaluated: 2022-10-25. Review status: criteria provided, single submitter. Criteria: Invitae Variant Classification Sherloc (09022015). Collection method: clinical testing. Allele origin: germline.
Comment: This variant is not present in population databases (gnomAD no frequency). In summary, the available evidence is currently insufficient to determine the role of this variant in disease. Therefore, it has been classified as a Variant of Uncertain Significance. Algorithms developed to predict the effect of missense changes on protein structure and function output the following: SIFT: "Tolerated"; PolyPhen-2: "Benign"; Align-GVGD: "Class C0". The histidine amino acid residue is found in multiple mammalian species, which suggests that this missense change does not adversely affect protein function. ClinVar contains an entry for this variant (Variation ID: 1000771). This variant has not been reported in the literature in individuals affected with SYNE2-related conditions. This sequence change replaces glutamine, which is neutral and polar, with histidine, which is basic and polar, at codon 2673 of the SYNE2 protein (p.Gln2673His).

NM_182914.3(SYNE2):c.8019G>C (p.Gln2673His)

Gene: SYNE2 (spectrin repeat containing nuclear envelope protein 2; plus strand). Cytogenetic location: 14q23.2.
Variant type: single nucleotide variant.
Coding change: c.8019G>C on transcript NM_182914.3 (MANE Select); coding-DNA position 8019, G replaced by C.
Protein change: p.Gln2673His; replaces glutamine 2673 with histidine.
Molecular consequence: missense variant.
Genome position (GRCh38, 1-based): chr14:64,051,932, G>C. VCF-style: chr14-64051932-G-C. GRCh37 (hg19) VCF-style: chr14-64518650-G-C.
Other names: c.8019G>C, p.Gln2673His (NM_015180.6); short protein forms Q2673H.
Identifiers: ClinVar variation 1000771 (VCV001000771.8), dbSNP rs2097230524, ClinGen allele CA389963807.